The following is an entry in ClinVar:

NM_001142800.2(EYS):c.3878-1G>A

Gene: EYS (EGF-like photoreceptor maintenance factor; minus strand). Cytogenetic location: 6q12.
Variant type: single nucleotide variant.
Coding change: c.3878-1G>A on transcript NM_001142800.2 (MANE Select); the canonical splice acceptor site of the intron before coding-DNA position 3878, G replaced by A.
Molecular consequence: splice acceptor variant.
Genome position (GRCh38, 1-based): chr6:64,591,990, C>T on the plus strand (G>A on the coding strand, the complement: EYS is on the minus strand). VCF-style: chr6-64591990-C-T. GRCh37 (hg19) VCF-style: chr6-65301883-C-T.
Other names: c.3878-1G>A (NM_001292009.2).
Identifiers: ClinVar variation 3682873 (VCV003682873.2).
Genomic context (GRCh38, chr6:64,591,990, plus strand): 5'-ATGTTGCCAAACCAGTGGTTGGGAGAATGTCGTGCTTGACAATGCCTGTCTGTTTTGGAC[C>T]TACAAAAAGGAAAAAAGCCAAAAAGGTTAGAAAAATGAATCAGAAACGAACCACTTTGGC-3'

ClinVar aggregate classification (germline): Likely pathogenic (1 of 4 stars; one submission).

gnomAD v4.1: 1 of 1,455,826 alleles (0.000069%); highest among the groups gnomAD compares: Non-Finnish European, 0.000091%; no homozygotes.

Submission:

Labcorp Genetics (formerly Invitae), Labcorp
Classification: Likely pathogenic. Last evaluated: 2024-03-17. Review status: criteria provided, single submitter. Criteria: Invitae Variant Classification Sherloc (09022015). Collection method: clinical testing. Allele origin: germline.
Comment: This sequence change affects an acceptor splice site in intron 25 of the EYS gene. It is expected to disrupt RNA splicing. Variants that disrupt the donor or acceptor splice site typically lead to a loss of protein function (PMID: 16199547), and loss-of-function variants in EYS are known to be pathogenic (PMID: 18836446, 20333770). This variant is not present in population databases (gnomAD no frequency). This variant has not been reported in the literature in individuals affected with EYS-related conditions. Algorithms developed to predict the effect of sequence changes on RNA splicing suggest that this variant may disrupt the consensus splice site. In summary, the currently available evidence indicates that the variant is pathogenic, but additional data are needed to prove that conclusively. Therefore, this variant has been classified as Likely Pathogenic.

Literature cited by the submitters: PubMed 16199547; PubMed 18836446; PubMed 20333770.